The following is an entry in ClinVar:

NM_000093.5(COL5A1):c.5068-86A>G

Genes: COL5A1 (collagen type V alpha 1 chain; plus strand), LOC101448202 (uncharacterized LOC101448202; minus strand). Cytogenetic location: 9q34.3.
Variant type: single nucleotide variant.
Coding change: c.5068-86A>G on transcript NM_000093.5 (MANE Select); 86 bases into the intron before coding-DNA position 5068, A replaced by G.
Molecular consequence: intron variant.
Genome position (GRCh38, 1-based): chr9:134,829,890, A>G. VCF-style: chr9-134829890-A-G. GRCh37 (hg19) VCF-style: chr9-137721736-A-G.
Other names: c.5068-218A>G (NM_001278074.1).
Identifiers: ClinVar variation 675616 (VCV000675616.1), dbSNP rs552183981, ClinGen allele CA201104544.

ClinVar aggregate classification (germline): Likely benign (1 of 4 stars; one submission).

Allele frequency attached by ClinVar (database versions not stated): gnomAD exomes 0.00038; 1000 Genomes Project 30x 0.00172; 1000 Genomes Project 0.00180; gnomAD 0.00420 and 0.00457; TOPMed 0.00491.
gnomAD v4.1: 1,156 of 1,458,172 alleles (0.079%); highest among the groups gnomAD compares: African/African-American, 1.5%; 7 homozygotes.

Submission:

GeneDx
Classification: Likely benign. Last evaluated: 2018-06-14. Review status: criteria provided, single submitter. Criteria: GeneDx Variant Classification (06012015). Collection method: clinical testing. Allele origin: germline. Affected: yes.
Comment: This variant is considered likely benign or benign based on one or more of the following criteria: it is a conservative change, it occurs at a poorly conserved position in the protein, it is predicted to be benign by multiple in silico algorithms, and/or has population frequency not consistent with disease.